The following is an entry in ClinVar:

ClinVar aggregate classification (germline): Conflicting classifications of pathogenicity. Review status: criteria provided, conflicting classifications (1 of 4 stars). 4 submissions from 4 submitters: Uncertain significance (1); Benign (1); Likely benign (2). Last evaluated 2025-09-23.

Conditions:
Epilepsy, progressive myoclonic, 1B. Also called: PME. Identifiers: Orphanet 308, MedGen C2676254, MONDO:0012904, OMIM 612437.

Allele frequency attached by ClinVar (database versions not stated): ExAC 0.00002; gnomAD exomes 0.00002; gnomAD 0.00004; TOPMed 0.00006; ESP Exome Variant Server 0.00015; 1000 Genomes Project 30x 0.00016; 1000 Genomes Project 0.00020.
gnomAD v4.1: 40 of 1,614,088 alleles (0.0025%); highest among the groups gnomAD compares: South Asian, 0.014%; no homozygotes.

Submissions (4):

Labcorp Genetics (formerly Invitae), Labcorp
Classification: Likely benign for Epilepsy, progressive myoclonic, 1B. Last evaluated: 2025-09-23. Review status: criteria provided, single submitter. Criteria: Invitae Variant Classification Sherloc (09022015). Collection method: clinical testing. Allele origin: germline.

Ambry Genetics
Classification: Likely benign. Last evaluated: 2018-05-21. Review status: criteria provided, single submitter. Criteria: Ambry Variant Classification Scheme 2023. Collection method: clinical testing. Allele origin: germline.

Athena Diagnostics
Classification: Uncertain significance. Last evaluated: 2017-02-15. Review status: criteria provided, single submitter. Criteria: Athena Diagnostics Criteria. Collection method: clinical testing. Allele origin: germline.

GeneDx
Classification: Benign. Last evaluated: 2015-07-23. Review status: criteria provided, single submitter. Criteria: GeneDx Variant Classification (06012015). Collection method: clinical testing. Allele origin: germline. Affected: yes.
Comment: This variant is considered likely benign or benign based on one or more of the following criteria: it is a conservative change, it occurs at a poorly conserved position in the protein, it is predicted to be benign by multiple in silico algorithms, and/or has population frequency not consistent with disease.

NM_153026.3(PRICKLE1):c.435G>A (p.Ala145=)

Gene: PRICKLE1 (prickle planar cell polarity protein 1; minus strand). Cytogenetic location: 12q12.
Variant type: single nucleotide variant.
Coding change: c.435G>A on transcript NM_153026.3 (MANE Select); coding-DNA position 435, G replaced by A.
Protein change: p.Ala145=; no amino-acid change (alanine 145 retained).
Molecular consequence: synonymous variant.
Genome position (GRCh38, 1-based): chr12:42,468,779, C>T on the plus strand (G>A on the coding strand, the complement: PRICKLE1 is on the minus strand). VCF-style: chr12-42468779-C-T. GRCh37 (hg19) VCF-style: chr12-42862581-C-T.
Other names: c.435G>A, p.Ala145= (NM_001144881.2, NM_001144882.2, NM_001144883.2).
Identifiers: ClinVar variation 308708 (VCV000308708.13), dbSNP rs146650383, ClinGen allele CA6519911.